The following is an entry in ClinVar:

NM_001903.5(CTNNA1):c.1900-8G>C

Gene: CTNNA1 (catenin alpha 1; plus strand). Cytogenetic location: 5q31.2.
Variant type: single nucleotide variant.
Coding change: c.1900-8G>C on transcript NM_001903.5 (MANE Select); 8 bases into the intron before coding-DNA position 1900, G replaced by C.
Molecular consequence: intron variant.
Genome position (GRCh38, 1-based): chr5:138,929,238, G>C. VCF-style: chr5-138929238-G-C. GRCh37 (hg19) VCF-style: chr5-138264927-G-C.
Other names: c.1900-8G>C (NM_001323982.2, NM_001323984.2, NM_001290307.3 and 2 more transcripts); c.1807-8G>C (NM_001323986.2); c.1531-8G>C (NM_001290310.3); c.1591-8G>C (NM_001290309.3); c.790-8G>C (NM_001323996.1, NM_001323993.1, NM_001324005.1 and 17 more transcripts); c.451-8G>C (NM_001324007.1, NM_001324009.1, NM_001324006.1 and 2 more transcripts); c.547-8G>C (NM_001324013.1, NM_001324012.1); c.697-8G>C (NM_001324011.1).
Identifiers: ClinVar variation 3773254 (VCV003773254.1).

ClinVar aggregate classification (germline): Likely benign (1 of 4 stars; one submission).

Conditions:
Hereditary diffuse gastric adenocarcinoma (HDGC). Also called: DIFFUSE GASTRIC AND LOBULAR BREAST CANCER SYNDROME. Identifiers: Orphanet 26106, MedGen C1708349, MONDO:0007648, OMIM 137215.

Submission:

Myriad Genetics, Inc.
Classification: Likely benign for Hereditary diffuse gastric adenocarcinoma. Last evaluated: 2024-10-14. Review status: criteria provided, single submitter. Criteria: Myriad Autosomal Dominant, Autosomal Recessive and X-Linked Classification Criteria (2023). Collection method: clinical testing. Allele origin: unknown.
Comment: This variant is considered likely benign. This variant is intronic and is not expected to impact mRNA splicing.